The following is an entry in ClinVar:

NM_000214.3(JAG1):c.586T>A (p.Cys196Ser)

Gene: JAG1 (jagged canonical Notch ligand 1; minus strand). Cytogenetic location: 20p12.2.
Variant type: single nucleotide variant.
Coding change: c.586T>A on transcript NM_000214.3 (MANE Select); coding-DNA position 586, T replaced by A.
Protein change: p.Cys196Ser; replaces cysteine 196 with serine.
Molecular consequence: missense variant.
Genome position (GRCh38, 1-based): chr20:10,658,576, A>T on the plus strand (T>A on the coding strand, the complement: JAG1 is on the minus strand). VCF-style: chr20-10658576-A-T. GRCh37 (hg19) VCF-style: chr20-10639224-A-T.
Other names: short protein forms C196S.
Identifiers: ClinVar variation 3573073 (VCV003573073.2).

Conditions:
Arteriohepatic dysplasia. Also called: Alagille Syndrome. Identifiers: Orphanet 52, MedGen C0085280, MeSH D016738, MONDO:0007318.

Submission:

Gilbert/Spinner Lab, Children's Hospital of Philadelphia
No classification provided (evidence only). Condition: Alagille syndrome. Review status: no classification provided. Collection method: research. Allele origin: not applicable. Functional consequence: functionally_abnormal.
ClinVar note: "not provided" was previously submitted as the classification for the variant. However, the classification appeared to be based only on an observation of functional data so it was converted to no classification on 2025-07-30.